The following is an entry in ClinVar:

ClinVar aggregate classification (germline): Uncertain significance (1 of 4 stars; one submission).

Submission:

Ambry Genetics
Classification: Uncertain significance. Last evaluated: 2025-03-30. Review status: criteria provided, single submitter. Criteria: Ambry Variant Classification Scheme 2023. Collection method: clinical testing. Allele origin: germline.
Comment: The p.I144L variant (also known as c.430A>C), located in coding exon 3 of the ATRIP gene, results from an A to C substitution at nucleotide position 430. The isoleucine at codon 144 is replaced by leucine, an amino acid with highly similar properties. This amino acid position is conserved. In addition, the in silico prediction for this alteration is inconclusive. Based on the available evidence, the clinical significance of this variant remains unclear.

NM_130384.3(ATRIP):c.430A>C (p.Ile144Leu)

Genes: ATRIP (ATR interacting protein; plus strand), ATRIP-TREX1 (ATRIP-TREX1 readthrough; plus strand). Cytogenetic location: 3p21.31.
Variant type: single nucleotide variant.
Coding change: c.430A>C on transcript NM_130384.3 (MANE Select); coding-DNA position 430, A replaced by C.
Protein change: p.Ile144Leu; replaces isoleucine 144 with leucine.
Molecular consequence: missense variant. On other transcripts: non-coding transcript variant (1).
Genome position (GRCh38, 1-based): chr3:48,451,777, A>C. VCF-style: chr3-48451777-A-C. GRCh37 (hg19) VCF-style: chr3-48493183-A-C.
Other names: c.49A>C, p.Ile17Leu (NM_001271022.2); c.151A>C, p.Ile51Leu (NM_001271023.2); c.430A>C, p.Ile144Leu (NM_032166.4); short protein forms I17L, I51L, I144L.
Identifiers: ClinVar variation 3975827 (VCV003975827.1).
Genomic context (GRCh38, chr3:48,451,777, plus strand): 5'-TGGGATTTACAGATGAAAGTAATGGAAGAAGAAGTTCTCATTAAGAATGGAGAAATTAAA[A>C]TTTTGCGAGACTCACTACATCAGACGGAATCCGTTCTAGAGGAACAGAGAAGATCACATT-3'
Protein context (NP_569055.1, residues 134-154): EVLIKNGEIK[Ile144Leu]LRDSLHQTES